The following is an entry in ClinVar:

ClinVar aggregate classification (germline): Uncertain significance (1 of 4 stars; one submission).

Conditions:
Rhabdoid tumor predisposition syndrome 2 (RTPS2). Identifiers: Orphanet 231108, Orphanet 69077, MedGen C2750074, MONDO:0013224, OMIM 613325.

Submission:

Labcorp Genetics (formerly Invitae), Labcorp
Classification: Uncertain significance for Rhabdoid tumor predisposition syndrome 2. Last evaluated: 2018-04-19. Review status: criteria provided, single submitter. Criteria: Invitae Variant Classification Sherloc (09022015). Collection method: clinical testing. Allele origin: germline.
Comment: Algorithms developed to predict the effect of sequence changes on RNA splicing suggest that this variant may create or strengthen a splice site, but this prediction has not been confirmed by published transcriptional studies. In summary, the available evidence is currently insufficient to determine the role of this variant in disease. Therefore, it has been classified as a Variant of Uncertain Significance. Algorithms developed to predict the effect of missense changes on protein structure and function do not agree on the potential impact of this missense change (SIFT: "Deleterious"; PolyPhen-2: "Benign"; Align-GVGD: "Class C65"). This variant has not been reported in the literature in individuals with SMARCA4-related disease. This variant is not present in population databases (ExAC no frequency). This sequence change replaces glycine with arginine at codon 390 of the SMARCA4 protein (p.Gly390Arg). The glycine residue is highly conserved and there is a moderate physicochemical difference between glycine and arginine.

NM_003072.5(SMARCA4):c.1168G>A (p.Gly390Arg)

Gene: SMARCA4 (SWI/SNF related BAF chromatin remodeling complex subunit ATPase 4; plus strand). Cytogenetic location: 19p13.2.
Variant type: single nucleotide variant.
Coding change: c.1168G>A on transcript NM_003072.5 (MANE Select); coding-DNA position 1168, G replaced by A.
Protein change: p.Gly390Arg; replaces glycine 390 with arginine.
Molecular consequence: missense variant. On other transcripts: non-coding transcript variant (1).
Genome position (GRCh38, 1-based): chr19:10,989,366, G>A. VCF-style: chr19-10989366-G-A. GRCh37 (hg19) VCF-style: chr19-11100042-G-A.
Other names: c.1168G>A, p.Gly390Arg (NM_001128844.3, NM_001128845.2, NM_001128846.2 and 5 more transcripts); short protein forms G390R.
Identifiers: ClinVar variation 583399 (VCV000583399.8), dbSNP rs1568430508, ClinGen allele CA404059534.